The following is an entry in ClinVar:

NM_014423.4(AFF4):c.2678C>T (p.Ala893Val)

Gene: AFF4 (ALF transcription elongation factor 4; minus strand). Cytogenetic location: 5q31.1.
Variant type: single nucleotide variant.
Coding change: c.2678C>T on transcript NM_014423.4 (MANE Select); coding-DNA position 2678, C replaced by T.
Protein change: p.Ala893Val; replaces alanine 893 with valine.
Molecular consequence: missense variant.
Genome position (GRCh38, 1-based): chr5:132,889,133, G>A on the plus strand (C>T on the coding strand, the complement: AFF4 is on the minus strand). VCF-style: chr5-132889133-G-A. GRCh37 (hg19) VCF-style: chr5-132224825-G-A.
Other names: short protein forms A893V.
Identifiers: ClinVar variation 1805738 (VCV001805738.1), dbSNP rs1231847789, ClinGen allele CA360971180.

ClinVar aggregate classification (germline): Uncertain significance (1 of 4 stars; one submission).

Conditions:
Cognitive impairment - coarse facies - heart defects - obesity - pulmonary involvement - short stature - skeletal dysplasia syndrome. Also called: Chops syndrome; AFF4-Related CHOPS Syndrome; COGNITIVE IMPAIRMENT, COARSE FACIES, HEART DEFECTS, OBESITY, PULMONARY INVOLVEMENT, SHORT STATURE, AND SKELETAL DYSPLASIA. Identifiers: Orphanet 444077, MedGen C4085597, MONDO:0014609, OMIM 616368.

Allele frequency attached by ClinVar (database versions not stated): TOPMed below 0.00001.

Submission:

Victorian Clinical Genetics Services, Murdoch Childrens Research Institute
Classification: Uncertain significance for Cognitive impairment - coarse facies - heart defects - obesity - pulmonary involvement - short stature - skeletal dysplasia syndrome. Last evaluated: 2020-05-21. Review status: criteria provided, single submitter. Criteria: ACMG Guidelines, 2015. Collection method: clinical testing. Allele origin: germline. Inheritance: Autosomal dominant inheritance.
Comment: A heterozygous missense variant was identified, NM_014423.3(AFF4):c.2678C>T in exon 14 of the AFF4 gene. This substitution is predicted to create a minor amino acid change from an alanine to a valine at position 893 of the protein; NP_055238.1(AFF4):p.(Ala893Val). The alanine at this position has low conservation (100 vertebrates, UCSC), and is located within the AF-4 proto-oncoprotein domain (PDB). In silico software predicts this variant to be tolerated (PolyPhen2, PROVEAN, MutationAssessor, FATHMM). The variant is not present in the gnomAD population database. This variant has not previously been reported in clinical cases. Based on information available at the time of curation, this variant has been classified as a VUS with LOW CLINICAL RELEVANCE. Legend: (P) - Pathogenic, (N) - Neutral, (B) - Benign